The following is an entry in ClinVar:

NM_000059.4(BRCA2):c.6702T>A (p.Phe2234Leu)

Gene: BRCA2 (BRCA2 DNA repair associated; plus strand). Cytogenetic location: 13q13.1.
Variant type: single nucleotide variant.
Coding change: c.6702T>A on transcript NM_000059.4 (MANE Select); coding-DNA position 6702, T replaced by A.
Protein change: p.Phe2234Leu; replaces phenylalanine 2234 with leucine.
Molecular consequence: missense variant. On other transcripts: non-coding transcript variant (1), intron variant (2).
Genome position (GRCh38, 1-based): chr13:32,341,057, T>A. VCF-style: chr13-32341057-T-A. GRCh37 (hg19) VCF-style: chr13-32915194-T-A.
Other names: c.6702T>A, p.Phe2234Leu (NM_001406719.1, NM_001406720.1, NM_001432077.1); c.1910-3501T>A (NM_001406721.1); c.425-3501T>A (NM_001406722.1); short protein forms F2234L.
Identifiers: ClinVar variation 3636512 (VCV003636512.2).

ClinVar aggregate classification (germline): Uncertain significance (1 of 4 stars; one submission).

Conditions:
Hereditary breast ovarian cancer syndrome. Also called: Hereditary breast and ovarian cancer syndrome; Hereditary breast and ovarian cancer syndrome (HBOC); BRCA1- and BRCA2-Associated Hereditary Breast and Ovarian Cancer; Hereditary breast and ovarian cancer; Breast and ovarian cancer; Hereditary breast and/or ovarian cancer syndrome. Identifiers: Orphanet 145, MedGen C0677776, MeSH D061325, MONDO:0003582. Disease mechanism: loss of function.

Submission:

Labcorp Genetics (formerly Invitae), Labcorp
Classification: Uncertain significance for Hereditary breast ovarian cancer syndrome. Last evaluated: 2025-03-23. Review status: criteria provided, single submitter. Criteria: Invitae Variant Classification Sherloc (09022015). Collection method: clinical testing. Allele origin: germline.
Comment: This sequence change replaces phenylalanine, which is neutral and non-polar, with leucine, which is neutral and non-polar, at codon 2234 of the BRCA2 protein (p.Phe2234Leu). This variant is not present in population databases (gnomAD no frequency). This missense change has been observed in individual(s) with a personal and/or family history of breast and ovarian cancer (PMID: 18060494). Invitae Evidence Modeling of protein sequence and biophysical properties (such as structural, functional, and spatial information, amino acid conservation, physicochemical variation, residue mobility, and thermodynamic stability) indicates that this missense variant is not expected to disrupt BRCA2 protein function with a negative predictive value of 95%. In summary, the available evidence is currently insufficient to determine the role of this variant in disease. Therefore, it has been classified as a Variant of Uncertain Significance.

Literature cited by the submitters: PubMed 18060494.